The following is an entry in ClinVar:

NM_001754.5(RUNX1):c.191_196del (p.Gly64_Ala65del)

Gene: RUNX1 (RUNX family transcription factor 1; minus strand). Cytogenetic location: 21q22.12.
Variant type: Deletion.
Coding change: c.191_196del on transcript NM_001754.5 (MANE Select); coding-DNA positions 191 to 196, 6 bases deleted (GCGCTG; older notation c.191_196delGCGCTG).
Protein change: p.Gly64_Ala65del.
Molecular consequence: inframe deletion.
Genome position (GRCh38, 1-based): chr21:34,886,998-34,887,003, CAGCGC deleted on the plus strand (GCGCTG on the coding strand, the reverse complement: RUNX1 is on the minus strand); deleting any 6 consecutive bases within chr21:34,886,998-34,887,004 gives the same sequence; the c. name uses the placement nearest the transcript's 3' end. VCF-style (leftmost placement, unchanged base first): chr21-34886997-GCAGCGC-G. GRCh37 (hg19) VCF-style: chr21-36259294-GCAGCGC-G.
Other names: NM_001754.5(RUNX1):c.191_196del; p.Gly64_Ala65del; c.110_115del, p.Gly37_Ala38del (NM_001001890.3, NM_001122607.2).
Identifiers: ClinVar variation 1692642 (VCV001692642.6), dbSNP rs2146412458, ClinGen allele CA2573157364.
Genomic context (GRCh38, chr21:34,886,997, plus strand): 5'-GGGTGGTCGGCCAGCACCTCCACCATGCTGCGGTCGCCGCTCCTCAGCTTGCCGGCCAGG[GCAGCGC>G]CGGCGTCCGGGGCGCCCAGCGGCAACGCCTCGCTCATCTTGCCTGGGCTCAGCGCGGTGG-3'

ClinVar aggregate classification (germline): Uncertain significance. Review status: reviewed by expert panel (3 of 4 stars). 4 submissions from 4 submitters: Uncertain significance (1). 3 of the submissions do not count toward it. Last evaluated 2024-07-11.

Conditions:
Hereditary thrombocytopenia and hematologic cancer predisposition syndrome. Identifiers: Orphanet 71290, MedGen CN281654, MONDO:0011071.
Hereditary thrombocytopenia and hematological cancer predisposition syndrome associated with RUNX1. Also called: Familial Platelet Disorder with Propensity to Acute Myelogenous Leukemia; Familial thrombocytopenia with propensity to acute myelogenous leukemia; PLATELET DISORDER, ASPIRIN-LIKE; RUNX1 Familial Platelet Disorder with Associated Myeloid Malignancies. Identifiers: Orphanet 71290, MedGen C1832388, MeSH C563324, MONDO:0100083, OMIM 601399.
Hereditary cancer-predisposing syndrome. Also called: Tumor predisposition; Hereditary neoplastic syndrome; Neoplastic Syndromes, Hereditary; Hereditary Cancer Syndrome. Identifiers: Orphanet 140162, MedGen C0027672, MeSH D009386, MONDO:0015356.
Inborn genetic diseases. Identifiers: MedGen C0950123, MeSH D030342.

Submissions (4):

ClinGen Myeloid Malignancy Variant Curation Expert Panel
Classification: Uncertain significance for Hereditary thrombocytopenia and hematologic cancer predisposition syndrome. Last evaluated: 2024-07-11. Review status: reviewed by expert panel. Criteria: ClinGen MyeloMalig ACMG Specifications v2. Collection method: curation. Allele origin: germline. Inheritance: Autosomal dominant inheritance.
Comment: NM_001754.5(RUNX1):c.191_196del (p.Gly64_Ala65del) is an in-frame deletion which does not affect any known functional domains. This variant is completely absent from all population databases with at least 20x coverage for RUNX1 (PM2_Supporting). In summary, the clinical significance of this variant is uncertain. ACMG/AMP criteria applied, as specified by the Myeloid Malignancy Variant Curation Expert Panel for RUNX1: PM2_supporting.

Ambry Genetics
Classification: Uncertain significance for Inborn genetic diseases. Last evaluated: 2026-08-21. Review status: criteria provided, single submitter. Criteria: Ambry Variant Classification Scheme 2023. Collection method: clinical testing. Allele origin: germline. Not counted in ClinVar's aggregate classification.
Comment: The c.191_196delGCGCTG variant (also known as p.G64_A65del) is located in coding exon 3 of the RUNX1 gene. This variant results from an in-frame GCGCTG deletion at nucleotide positions 191 to 196. This results in the in-frame deletion of amino acids at codons 64 to 65. This amino acid region is not well conserved in available vertebrate species. In addition, the in silico prediction for this variant is inconclusive (Choi Y et al. PLoS ONE. 2012; 7(10):e46688). Based on the available evidence, the clinical significance of this variant remains unclear.

Labcorp Genetics (formerly Invitae), Labcorp
Classification: Uncertain significance for Hereditary thrombocytopenia and hematological cancer predisposition syndrome associated with RUNX1. Last evaluated: 2022-12-29. Review status: criteria provided, single submitter. Criteria: Invitae Variant Classification Sherloc (09022015). Collection method: clinical testing. Allele origin: germline. Not counted in ClinVar's aggregate classification.
Comment: This variant is not present in population databases (gnomAD no frequency). This variant has not been reported in the literature in individuals affected with RUNX1-related conditions. ClinVar contains an entry for this variant (Variation ID: 1692642). Experimental studies and prediction algorithms are not available or were not evaluated, and the functional significance of this variant is currently unknown. In summary, the available evidence is currently insufficient to determine the role of this variant in disease. Therefore, it has been classified as a Variant of Uncertain Significance. This variant, c.191_196del, results in the deletion of 2 amino acid(s) of the RUNX1 protein (p.Gly64_Ala65del), but otherwise preserves the integrity of the reading frame.

Sema4
Classification: Uncertain significance for Hereditary cancer-predisposing syndrome. Last evaluated: 2021-04-21. Review status: criteria provided, single submitter. Criteria: Sema4 Curation Guidelines. Collection method: curation. Allele origin: germline. Not counted in ClinVar's aggregate classification.
Comment: The RUNX1 c.191_196delGCGCTG (p.G64_A65del) in-frame deletion has not been reported in the literature to our knowledge. This change results in a deletion of two non-conserved amino acids without altering the integrity of the protein. It was not observed in the large and broad cohorts of the Genome Aggregation Database. The variant has not been reported in ClinVar. The evidence is insufficient to meet ACMG/AMP criteria for classifying the variant as benign or pathogenic. Thus, the clinical significance of this variant is currently uncertain.